The following is an entry in ClinVar:

NM_015158.5(KANK1):c.3161A>C (p.Asn1054Thr)

Gene: KANK1 (KN motif and ankyrin repeat domains 1; plus strand). Cytogenetic location: 9p24.3.
Variant type: single nucleotide variant.
Coding change: c.3161A>C on transcript NM_015158.5 (MANE Select); coding-DNA position 3161, A replaced by C.
Protein change: p.Asn1054Thr; replaces asparagine 1054 with threonine.
Molecular consequence: missense variant. On other transcripts: intron variant (5).
Genome position (GRCh38, 1-based): chr9:732,533, A>C. VCF-style: chr9-732533-A-C. GRCh37 (hg19) VCF-style: chr9-732533-A-C.
Other names: c.3161A>C, p.Asn1054Thr (NM_001256876.3, NM_001256877.3, NM_001354334.2); c.3107A>C, p.Asn1036Thr (NM_001354332.2); c.2687A>C, p.Asn896Thr (NM_001354333.2, NM_001354335.2, NM_001354337.2 and 2 more transcripts); c.2633A>C, p.Asn878Thr (NM_001354338.2, NM_001354340.2, NM_001354344.2); c.3005+1267A>C (NM_001354331.2); c.2477+1267A>C (NM_001354336.2); c.2531+1267A>C (NM_001354339.2, NM_001354343.2, NM_001354342.2); short protein forms N896T, N1036T, N1054T, N878T.
Identifiers: ClinVar variation 2959204 (VCV002959204.3), dbSNP rs1832599647, ClinGen allele CA372757450.
Genomic context (GRCh38, chr9:732,533, plus strand): 5'-AAGAGGAGGAGGAGGAGGATGAAGACACTCGGGGAATGGCAGAAGGGCACCATGCAGTTA[A>C]TATTGAAGGTTTGAAGTCTGCCAGGGTGGAAGATGAAATGCAGGTTCAAGAATGTGAACC-3'
Protein context (NP_055973.2, residues 1044-1064): RGMAEGHHAV[Asn1054Thr]IEGLKSARVE

ClinVar aggregate classification (germline): Uncertain significance (1 of 4 stars; one submission).

Allele frequency attached by ClinVar (database versions not stated): gnomAD exomes below 0.00001.
gnomAD v4.1: 2 of 1,614,176 alleles (0.00012%); highest among the groups gnomAD compares: Non-Finnish European, 0.00017%; no homozygotes.

Submission:

Labcorp Genetics (formerly Invitae), Labcorp
Classification: Uncertain significance. Last evaluated: 2024-10-24. Review status: criteria provided, single submitter. Criteria: Invitae Variant Classification Sherloc (09022015). Collection method: clinical testing. Allele origin: germline.
Comment: This sequence change replaces asparagine, which is neutral and polar, with threonine, which is neutral and polar, at codon 1054 of the KANK1 protein (p.Asn1054Thr). This variant is not present in population databases (gnomAD no frequency). This variant has not been reported in the literature in individuals affected with KANK1-related conditions. An algorithm developed to predict the effect of missense changes on protein structure and function (PolyPhen-2) suggests that this variant is likely to be tolerated. In summary, the available evidence is currently insufficient to determine the role of this variant in disease. Therefore, it has been classified as a Variant of Uncertain Significance.